The following is an entry in ClinVar:

NM_000051.4(ATM):c.1800C>A (p.His600Gln)

Gene: ATM (ATM serine/threonine kinase; plus strand). Cytogenetic location: 11q22.3.
Variant type: single nucleotide variant.
Coding change: c.1800C>A on transcript NM_000051.4 (MANE Select); coding-DNA position 1800, C replaced by A.
Protein change: p.His600Gln; replaces histidine 600 with glutamine.
Molecular consequence: missense variant.
Genome position (GRCh38, 1-based): chr11:108,252,029, C>A. VCF-style: chr11-108252029-C-A. GRCh37 (hg19) VCF-style: chr11-108122756-C-A.
Other names: c.1800C>A, p.His600Gln (NM_001351834.2); short protein forms H600Q.
Identifiers: ClinVar variation 3605698 (VCV003605698.2).
Genomic context (GRCh38, chr11:108,252,029, plus strand): 5'-CTTATTCTATCAGTTAGAGGGTGACTTAGAAAATAGCACAGAAGTGCCTCCAATTCTTCA[C>A]AGGTAATTTAAGTTCATTAGCATGCTGCTGTTTTTTTTGTTTGTTTTATCAGGCTCTCTC-3'
Protein context (NP_000042.3, residues 590-610): ENSTEVPPIL[His600Gln]SNFPHLVLEK

ClinVar aggregate classification (germline): Uncertain significance (1 of 4 stars; one submission).

Conditions:
Ataxia-telangiectasia syndrome (AT). Also called: Cerebello-oculocutaneous telangiectasia; Immunodeficiency with ataxia telangiectasia; Ataxia-telangiectasia, complementation group D; AT, COMPLEMENTATION GROUP C; Ataxia-telangiectasia; Ataxia-telangiectasia, complementation group E. Identifiers: Orphanet 100, MedGen C0004135, MONDO:0008840, OMIM 208900.

Submission:

Labcorp Genetics (formerly Invitae), Labcorp
Classification: Uncertain significance for Ataxia-telangiectasia syndrome. Last evaluated: 2024-07-25. Review status: criteria provided, single submitter. Criteria: Invitae Variant Classification Sherloc (09022015). Collection method: clinical testing. Allele origin: germline.
Comment: This sequence change replaces histidine, which is basic and polar, with glutamine, which is neutral and polar, at codon 600 of the ATM protein (p.His600Gln). This variant is not present in population databases (gnomAD no frequency). This variant has not been reported in the literature in individuals affected with ATM-related conditions. An algorithm developed to predict the effect of missense changes on protein structure and function outputs the following: PolyPhen-2: "Benign". The glutamine amino acid residue is found in multiple mammalian species, which suggests that this missense change does not adversely affect protein function. In summary, the available evidence is currently insufficient to determine the role of this variant in disease. Therefore, it has been classified as a Variant of Uncertain Significance.